The following is an entry in ClinVar:

ClinVar aggregate classification (germline): Benign/Likely benign. Review status: criteria provided, multiple submitters, no conflicts (2 of 4 stars). 2 submissions from 2 submitters: Benign (1); Likely benign (1). Last evaluated 2018-01-13.

Conditions:
Frontotemporal dementia and/or amyotrophic lateral sclerosis 7 (FTDALS7). Also called: CHMP2B-Related Frontotemporal Dementia-Amyotrophic Lateral Sclerosis; CHMP2B-related frontotemporal dementia; AMYOTROPHIC LATERAL SCLEROSIS, CHMP2B-RELATED; Amyotrophic lateral sclerosis 17. Identifiers: Orphanet 275864, Orphanet 282, Orphanet 803, MedGen C1833296, MONDO:0010936, OMIM 600795.

Allele frequency attached by ClinVar (database versions not stated): gnomAD 0.22762 and 0.23591; TOPMed 0.22977; 1000 Genomes Project 30x 0.24610; 1000 Genomes Project 0.25060; gnomAD exomes 0.37150.
gnomAD v4.1: 35,929 of 152,056 alleles (24%); highest among the groups gnomAD compares: South Asian, 37%; 5,314 homozygotes.

Submissions (2):

Illumina Laboratory Services, Illumina
Classification: Benign for Frontotemporal dementia and/or amyotrophic lateral sclerosis 7. Last evaluated: 2018-01-13. Review status: criteria provided, single submitter. Criteria: ICSL Variant Classification Criteria 13 December 2019. Collection method: clinical testing. Allele origin: germline.
Comment: This variant was observed in the ICSL laboratory as part of a predisposition screen in an ostensibly healthy population. It had not been previously curated by ICSL or reported in the Human Gene Mutation Database (HGMD: prior to June 1st, 2018), and was therefore a candidate for classification through an automated scoring system. Utilizing variant allele frequency, disease prevalence and penetrance estimates, and inheritance mode, an automated score was calculated to assess if this variant is too frequent to cause the disease. Based on the score and internal cut-off values, a variant classified as benign is not then subjected to further curation. The score for this variant resulted in a classification of benign for this disease.

Breakthrough Genomics
Classification: Likely benign. Review status: criteria provided, single submitter. Criteria: ACMG Guidelines, 2015. Collection method: not provided. Allele origin: germline. Inheritance: Autosomal dominant inheritance. Affected: yes.

NM_014043.4(CHMP2B):c.*1589G>A

Gene: CHMP2B (charged multivesicular body protein 2B; plus strand). Cytogenetic location: 3p11.2.
Variant type: single nucleotide variant.
Coding change: c.*1589G>A on transcript NM_014043.4 (MANE Select); 1589 bases downstream of the stop codon, G replaced by A.
Molecular consequence: 3 prime UTR variant.
Genome position (GRCh38, 1-based): chr3:87,255,411, G>A. VCF-style: chr3-87255411-G-A. GRCh37 (hg19) VCF-style: chr3-87304561-G-A.
Other names: c.*1589G>A (NM_001244644.2).
Identifiers: ClinVar variation 346826 (VCV000346826.7), dbSNP rs1060241, ClinGen allele CA10617539.